The following is an entry in ClinVar:

ClinVar aggregate classification (germline): Likely benign (1 of 4 stars; one submission).

Allele frequency attached by ClinVar (database versions not stated): 1000 Genomes Project 0.00120; 1000 Genomes Project 30x 0.00156; TOPMed 0.00294; gnomAD 0.00309; ExAC 0.00359; ESP Exome Variant Server 0.00392; gnomAD exomes 0.00467.

Submission:

CeGaT Center for Human Genetics Tuebingen
Classification: Likely benign. Last evaluated: 2022-11-01. Review status: criteria provided, single submitter. Criteria: CeGaT Center For Human Genetics Tuebingen Variant Classification Criteria Version 2. Collection method: clinical testing. Allele origin: germline. Affected: yes. Observed: 1 variant allele.
Comment: MAPK15: BS2

NM_139021.3(MAPK15):c.106G>A (p.Gly36Ser)

Gene: MAPK15 (mitogen-activated protein kinase 15; plus strand). Cytogenetic location: 8q24.3.
Variant type: single nucleotide variant.
Coding change: c.106G>A on transcript NM_139021.3 (MANE Select); coding-DNA position 106, G replaced by A.
Protein change: p.Gly36Ser; replaces glycine 36 with serine.
Molecular consequence: missense variant.
Genome position (GRCh38, 1-based): chr8:143,717,733, G>A. VCF-style: chr8-143717733-G-A. GRCh37 (hg19) VCF-style: chr8-144799903-G-A.
Other names: short protein forms G36S.
Identifiers: ClinVar variation 2658905 (VCV002658905.24), dbSNP rs45495391, ClinGen allele CA4916080.